The following is an entry in ClinVar:

ClinVar aggregate classification (germline): Uncertain significance. Review status: criteria provided, multiple submitters, no conflicts (2 of 4 stars). 5 submissions from 5 submitters: Uncertain significance (5). Last evaluated 2026-02-16.

Conditions:
Pulmonary fibrosis and/or bone marrow failure, Telomere-related, 4. Also called: PULMONARY FIBROSIS AND/OR BONE MARROW FAILURE SYNDROME, TELOMERE-RELATED, 4. Identifiers: Orphanet 2032, MedGen C4225347, MONDO:0014612, OMIM 616371.
PKD1-related disorder. Also called: PKD1-related condition.
Inborn genetic diseases. Identifiers: MedGen C0950123, MeSH D030342.
Polycystic kidney disease, adult type (PKD1). Also called: Polycystic Kidney Disease 1, Autosomal Dominant; Polycystic kidney disease 1; Polycystic kidney disease 1, severe; POLYCYSTIC KIDNEY DISEASE 1 WITH OR WITHOUT POLYCYSTIC LIVER DISEASE; POLYCYSTIC KIDNEY DISEASE, ADULT, TYPE I; Polycystic Kidney, Autosomal Dominant. Identifiers: MedGen C3149841, MONDO:0008263, OMIM 173900.

Allele frequency attached by ClinVar (database versions not stated): ExAC 0.00001; gnomAD exomes 0.00001; TOPMed 0.00002.

Submissions (5):

PreventionGenetics, part of Exact Sciences
Classification: Uncertain significance for PKD1-related condition. Last evaluated: 2026-02-16. Review status: criteria provided, single submitter. Criteria: ACMG Guidelines, 2015. Collection method: clinical testing. Allele origin: germline.
Comment: The PKD1 c.8747C>T variant is predicted to result in the amino acid substitution p.Pro2916Leu. To our knowledge, this variant has not been reported in the literature. This variant is reported in 0.0058% of alleles in individuals of Latino descent in gnomAD. At this time, the clinical significance of this variant is uncertain due to the absence of conclusive functional and genetic evidence.

Johns Hopkins Genomics, Johns Hopkins University
Classification: Uncertain significance for Pulmonary fibrosis and/or bone marrow failure, Telomere-related, 4. Last evaluated: 2024-12-26. Review status: criteria provided, single submitter. Criteria: ACMG Guidelines, 2015. Collection method: clinical testing. Allele origin: germline.
Comment: This PKD1 missense variant (rs775980046) is rare (>0.1%) in a large population dataset (gnomAD v4.1.0: 9/1608636 total alleles, 0.0006%, 0 homozygotes) and has been reported in ClinVar (Variation ID: 2211075). Two bioinformatic tools queried predict that this variant would likely be tolerated in the protein. The proline residue at this position is evolutionary conserved in many species assessed. We consider the clinical significance of c.8747C>T in PKD1 to be uncertain at this time.

Fulgent Genetics
Classification: Uncertain significance for Polycystic kidney disease, adult type. Last evaluated: 2024-04-09. Review status: criteria provided, single submitter. Criteria: ACMG Guidelines, 2015. Collection method: clinical testing. Allele origin: germline.

GeneDx
Classification: Uncertain significance. Last evaluated: 2022-08-01. Review status: criteria provided, single submitter. Criteria: GeneDx Variant Classification Process June 2021. Collection method: clinical testing. Allele origin: germline. Affected: yes.
Comment: In silico analysis supports that this missense variant has a deleterious effect on protein structure/function; Has not been previously published as pathogenic or benign to our knowledge

Ambry Genetics
Classification: Uncertain significance for Inborn genetic diseases. Last evaluated: 2022-02-17. Review status: criteria provided, single submitter. Criteria: Ambry Variant Classification Scheme 2023. Collection method: clinical testing. Allele origin: germline.

Literature cited by the submitters: PubMed 17475819 (cited by Johns Hopkins Genomics, Johns Hopkins University).

NM_001009944.3(PKD1):c.8747C>T (p.Pro2916Leu)

Gene: PKD1 (polycystin 1, transient receptor potential channel interacting; minus strand). Cytogenetic location: 16p13.3.
Variant type: single nucleotide variant.
Coding change: c.8747C>T on transcript NM_001009944.3 (MANE Select); coding-DNA position 8747, C replaced by T.
Protein change: p.Pro2916Leu; replaces proline 2916 with leucine.
Molecular consequence: missense variant.
Genome position (GRCh38, 1-based): chr16:2,103,310, G>A on the plus strand (C>T on the coding strand, the complement: PKD1 is on the minus strand). VCF-style: chr16-2103310-G-A. GRCh37 (hg19) VCF-style: chr16-2153311-G-A.
Other names: c.8747C>T, p.Pro2916Leu (NM_000296.4); short protein forms P2916L.
Identifiers: ClinVar variation 2211075 (VCV002211075.7), dbSNP rs775980046, ClinGen allele CA7830398.
Genomic context (GRCh38, chr16:2,103,310, plus strand): 5'-CACCCGCTGCACGCACCGTCCAGCAGCGTATAGTTGAGCTGCAGATGCAGCCCGGCCGCA[G>A]GGTTGCTGCTGTCCAGGGTGACCACAGCACCGACGGAGGCCTGGGGCTGGACCACAACGG-3'
Protein context (NP_001009944.3, residues 2906-2926): GAVVTLDSSN[Pro2916Leu]AAGLHLQLNY